The following is an entry in ClinVar:

ClinVar aggregate classification (germline): Likely benign (1 of 4 stars; one submission).

Conditions:
Lynch syndrome 5 (LYNCH5). Also called: Colorectal cancer, hereditary nonpolyposis, type 5; Hereditary non-polyposis colorectal cancer, type 5. Identifiers: Orphanet 144, MedGen C1833477, MONDO:0013710, OMIM 614350. Disease mechanism: loss of function.

Submission:

Myriad Genetics, Inc.
Classification: Likely benign for Lynch syndrome 5. Last evaluated: 2024-12-17. Review status: criteria provided, single submitter. Criteria: Myriad Autosomal Dominant, Autosomal Recessive and X-Linked Classification Criteria (2023). Collection method: clinical testing. Allele origin: unknown.
Comment: This variant is considered likely benign. This variant is intronic and is not expected to impact mRNA splicing.

NM_000179.3(MSH6):c.260+8G>A

Genes: MSH6 (mutS homolog 6; plus strand), LOC129933707 (ATAC-STARR-seq lymphoblastoid silent region 11468; plus strand). Cytogenetic location: 2p16.3.
Variant type: single nucleotide variant.
Coding change: c.260+8G>A on transcript NM_000179.3 (MANE Select); 8 bases into the intron after coding-DNA position 260, G replaced by A.
Molecular consequence: intron variant.
Genome position (GRCh38, 1-based): chr2:47,783,501, G>A. VCF-style: chr2-47783501-G-A. GRCh37 (hg19) VCF-style: chr2-48010640-G-A.
Other names: c.260+8G>A (NM_001406809.1, NM_001406796.1, NM_001406795.1 and 8 more transcripts); c.-477+8G>A (NM_001406811.1, NM_001281493.2); c.-38+270G>A (NM_001406805.1, NM_001406797.1, NM_001406801.1); c.-669+8G>A (NM_001406807.1); c.-735+8G>A (NM_001406814.1); c.-324+8G>A (NM_001406812.1); c.-69+8G>A (NM_001406799.1); c.-280+8G>A (NM_001406816.1); and 4 more.
Identifiers: ClinVar variation 3903813 (VCV003903813.1).